The following is an entry in ClinVar:

ClinVar aggregate classification (germline): Uncertain significance (1 of 4 stars; one submission).

gnomAD v4.1: 8 of 1,614,096 alleles (0.0005%); highest among the groups gnomAD compares: Non-Finnish European, 0.00068%; no homozygotes.

Submission:

GeneDx
Classification: Uncertain significance. Last evaluated: 2025-05-12. Review status: criteria provided, single submitter. Criteria: GeneDx Variant Classification Process June 2021. Collection method: clinical testing. Allele origin: germline. Affected: yes.
Comment: Not observed at significant frequency in large population cohorts (gnomAD); In silico analysis suggests that this missense variant does not alter protein structure/function; Has not been previously published as pathogenic or benign to our knowledge

NM_182961.4(SYNE1):c.10843A>G (p.Lys3615Glu)

Gene: SYNE1 (spectrin repeat containing nuclear envelope protein 1; minus strand). Cytogenetic location: 6q25.2.
Variant type: single nucleotide variant.
Coding change: c.10843A>G on transcript NM_182961.4 (MANE Select); coding-DNA position 10843, A replaced by G.
Protein change: p.Lys3615Glu; replaces lysine 3615 with glutamic acid.
Molecular consequence: missense variant.
Genome position (GRCh38, 1-based): chr6:152,354,742, T>C on the plus strand (A>G on the coding strand, the complement: SYNE1 is on the minus strand). VCF-style: chr6-152354742-T-C. GRCh37 (hg19) VCF-style: chr6-152675877-T-C.
Other names: c.10864A>G, p.Lys3622Glu (NM_033071.5); short protein forms K3615E, K3622E.
Identifiers: ClinVar variation 4529890 (VCV004529890.1).